The following is an entry in ClinVar:

ClinVar aggregate classification (germline): Uncertain significance (1 of 4 stars; one submission).

Conditions:
Fanconi anemia (FA). Also called: Fanconi's anemia. Identifiers: Orphanet 84, MedGen C0015625, MeSH D005199, MONDO:0019391.

Submission:

Labcorp Genetics (formerly Invitae), Labcorp
Classification: Uncertain significance for Fanconi anemia. Last evaluated: 2018-09-26. Review status: criteria provided, single submitter. Criteria: Invitae Variant Classification Sherloc (09022015). Collection method: clinical testing. Allele origin: germline.
Comment: This sequence change replaces leucine with proline at codon 1171 of the FANCA protein (p.Leu1171Pro). The leucine residue is moderately conserved and there is a moderate physicochemical difference between leucine and proline. This variant is not present in population databases (ExAC no frequency). This variant has not been reported in the literature in individuals with FANCA-related disease. Algorithms developed to predict the effect of missense changes on protein structure and function are either unavailable or do not agree on the potential impact of this missense change (SIFT: "Deleterious"; PolyPhen-2: "Possibly Damaging"; Align-GVGD: "Class C0"). In summary, the available evidence is currently insufficient to determine the role of this variant in disease. Therefore, it has been classified as a Variant of Uncertain Significance.

NM_000135.4(FANCA):c.3512T>C (p.Leu1171Pro)

Gene: FANCA (FA complementation group A; minus strand). Cytogenetic location: 16q24.3.
Variant type: single nucleotide variant.
Coding change: c.3512T>C on transcript NM_000135.4 (MANE Select); coding-DNA position 3512, T replaced by C.
Protein change: p.Leu1171Pro; replaces leucine 1171 with proline.
Molecular consequence: missense variant.
Genome position (GRCh38, 1-based): chr16:89,746,585, A>G on the plus strand (T>C on the coding strand, the complement: FANCA is on the minus strand). VCF-style: chr16-89746585-A-G. GRCh37 (hg19) VCF-style: chr16-89812993-A-G.
Other names: c.3512T>C (LRG_495t1); c.3512T>C, p.Leu1171Pro (NM_001286167.3); short protein forms L1171P.
Identifiers: ClinVar variation 652803 (VCV000652803.8), dbSNP rs1598070682, ClinGen allele CA397485818.